The following is an entry in ClinVar:

NM_001377.3(DYNC2H1):c.713C>G (p.Thr238Arg)

Gene: DYNC2H1 (dynein cytoplasmic 2 heavy chain 1; plus strand). Cytogenetic location: 11q22.3.
Variant type: single nucleotide variant.
Coding change: c.713C>G on transcript NM_001377.3 (MANE Select); coding-DNA position 713, C replaced by G.
Protein change: p.Thr238Arg; replaces threonine 238 with arginine.
Molecular consequence: missense variant.
Genome position (GRCh38, 1-based): chr11:103,116,661, C>G. VCF-style: chr11-103116661-C-G. GRCh37 (hg19) VCF-style: chr11-102987390-C-G.
Other names: c.713C>G, p.Thr238Arg (NM_001080463.2); short protein forms T238R.
Identifiers: ClinVar variation 1961412 (VCV001961412.2), dbSNP rs1366986320, ClinGen allele CA382246554.

ClinVar aggregate classification (germline): Uncertain significance (1 of 4 stars; one submission).

Conditions:
Jeune thoracic dystrophy. Also called: Short-rib thoracic dysplasia; Jeune syndrome; Infantile thoracic dystrophy; Thoracic pelvic phalangeal dystrophy; Jeune's syndrome; Chondroectodermal dysplasia-like syndrome. Identifiers: Orphanet 474, MedGen C0265275, MONDO:0018770.

Allele frequency attached by ClinVar (database versions not stated): gnomAD 0.00001; TOPMed 0.00001.
gnomAD v4.1: 2 of 1,608,720 alleles (0.00012%); highest among the groups gnomAD compares: Non-Finnish European, 0.00017%; no homozygotes.

Submission:

Labcorp Genetics (formerly Invitae), Labcorp
Classification: Uncertain significance for Jeune thoracic dystrophy. Last evaluated: 2022-08-06. Review status: criteria provided, single submitter. Criteria: Invitae Variant Classification Sherloc (09022015). Collection method: clinical testing. Allele origin: germline.
Comment: This sequence change replaces threonine, which is neutral and polar, with arginine, which is basic and polar, at codon 238 of the DYNC2H1 protein (p.Thr238Arg). This variant is not present in population databases (gnomAD no frequency). This variant has not been reported in the literature in individuals affected with DYNC2H1-related conditions. Advanced modeling of protein sequence and biophysical properties (such as structural, functional, and spatial information, amino acid conservation, physicochemical variation, residue mobility, and thermodynamic stability) performed at Invitae indicates that this missense variant is not expected to disrupt DYNC2H1 protein function. In summary, the available evidence is currently insufficient to determine the role of this variant in disease. Therefore, it has been classified as a Variant of Uncertain Significance.